The following is an entry in ClinVar:

ClinVar aggregate classification (germline): Uncertain significance. Review status: criteria provided, multiple submitters, no conflicts (2 of 4 stars). 3 submissions from 3 submitters: Uncertain significance (3). Last evaluated 2025-07-20.

Conditions:
Parkinson disease 17 (PARK17). Also called: VPS35-Related Parkinson Disease. Identifiers: Orphanet 411602, MedGen C3280133, MONDO:0013625, OMIM 614203.

Allele frequency attached by ClinVar (database versions not stated): gnomAD exomes below 0.00001; ExAC 0.00001; gnomAD 0.00001; TOPMed 0.00002.
gnomAD v4.1: 5 of 1,612,956 alleles (0.00031%); highest among the groups gnomAD compares: East Asian, 0.0022%; no homozygotes.

Submissions (4):

Labcorp Genetics (formerly Invitae), Labcorp
Classification: Uncertain significance for Parkinson disease 17. Last evaluated: 2025-07-20. Review status: criteria provided, single submitter. Criteria: Invitae Variant Classification Sherloc (09022015). Collection method: clinical testing. Allele origin: germline.
Comment: This sequence change replaces arginine, which is basic and polar, with glutamine, which is neutral and polar, at codon 284 of the VPS35 protein (p.Arg284Gln). This variant is present in population databases (rs771276024, gnomAD 0.005%). This variant has not been reported in the literature in individuals affected with VPS35-related conditions. ClinVar contains an entry for this variant (Variation ID: 319294). Invitae Evidence Modeling of protein sequence and biophysical properties (such as structural, functional, and spatial information, amino acid conservation, physicochemical variation, residue mobility, and thermodynamic stability) indicates that this missense variant is not expected to disrupt VPS35 protein function with a negative predictive value of 80%. In summary, the available evidence is currently insufficient to determine the role of this variant in disease. Therefore, it has been classified as a Variant of Uncertain Significance.

Fulgent Genetics
Classification: Uncertain significance for Parkinson disease 17. Last evaluated: 2022-05-26. Review status: criteria provided, single submitter. Criteria: ACMG Guidelines, 2015. Collection method: clinical testing. Allele origin: unknown.

Illumina Laboratory Services, Illumina
Classification: Uncertain significance for Parkinson disease 17. Last evaluated: 2018-01-13. Review status: criteria provided, single submitter. Criteria: ICSL Variant Classification Criteria 13 December 2019. Collection method: clinical testing. Allele origin: germline.

Dr. Peter K. Rogan Lab, Western University
No classification provided (evidence only). Condition: Malignant tumor of esophagus. Review status: no classification provided. Collection method: in vitro. Allele origin: not applicable. Functional consequence: retained intron. Not counted in ClinVar's aggregate classification.

NM_018206.6(VPS35):c.851G>A (p.Arg284Gln)

Gene: VPS35 (VPS35 retromer complex component; minus strand). Cytogenetic location: 16q11.2.
Variant type: single nucleotide variant.
Coding change: c.851G>A on transcript NM_018206.6 (MANE Select); coding-DNA position 851, G replaced by A.
Protein change: p.Arg284Gln; replaces arginine 284 with glutamine.
Molecular consequence: missense variant.
Genome position (GRCh38, 1-based): chr16:46,676,646, C>T on the plus strand (G>A on the coding strand, the complement: VPS35 is on the minus strand). VCF-style: chr16-46676646-C-T. GRCh37 (hg19) VCF-style: chr16-46710558-C-T.
Other names: NC_000016.9:g.46710558C>T; short protein forms R284Q.
Identifiers: ClinVar variation 319294 (VCV000319294.8), dbSNP rs771276024, ClinGen allele CA8036966.
Genomic context (GRCh38, chr16:46,676,646, plus strand): 5'-TCAATTAAAGCAATGATTATGTTCTTCACATTTACATTCTGGTGTAACTCAGCACAGGCC[C>T]GAAGAAAAGGATTCAAAGTCTGGAGGTGAAATTCATCAGGGAAAACCTGAAAATCAAATG-3'
Protein context (NP_060676.2, residues 274-294): FHLQTLNPFL[Arg284Gln]ACAELHQNVN